The following is an entry in ClinVar:

ClinVar aggregate classification (germline): Uncertain significance. Review status: criteria provided, multiple submitters, no conflicts (2 of 4 stars). 5 submissions from 5 submitters: Uncertain significance (5). Last evaluated 2026-05-01.

Conditions:
PLEC-related disorder. Also called: PLEC-related disorders; PLEC-related condition.
Epidermolysis bullosa simplex with nail dystrophy (EBS5D). Identifiers: MedGen C4225309, MONDO:0014661, OMIM 616487.
Autosomal recessive limb-girdle muscular dystrophy type 2Q (LGMDR17). Also called: MUSCULAR DYSTROPHY, LIMB-GIRDLE, AUTOSOMAL RECESSIVE 17. Identifiers: Orphanet 254361, MedGen C3150989, MONDO:0013390, OMIM 613723.
Epidermolysis bullosa simplex 5C, with pyloric atresia (EBS5C). Also called: PLEC-Related Epidermolysis Bullosa with Pyloric Atresia; Epidermolysis bullosa simplex with pyloric atresia; PLEC1-Related Epidermolysis Bullosa with Pyloric Atresia. Identifiers: Orphanet 158684, MedGen C2677349, MONDO:0012807, OMIM 612138.
Epidermolysis bullosa simplex 5B, with muscular dystrophy (EBS5B). Also called: EPIDERMOLYSIS BULLOSA SIMPLEX AND LIMB-GIRDLE MUSCULAR DYSTROPHY; Epidermolysis bullosa simplex with muscular dystrophy. Identifiers: Orphanet 257, MedGen C2931072, MONDO:0009181, OMIM 226670.
Epidermolysis bullosa simplex, Ogna type (EBS5A). Also called: Pidermolysis bullosa simplex 5A, Ogna type; EPIDERMOLYSIS BULLOSA SIMPLEX 5A, OGNA TYPE. Identifiers: Orphanet 79401, MedGen C0432317, MONDO:0007555, OMIM 131950.
Inborn genetic diseases. Identifiers: MedGen C0950123, MeSH D030342.

Allele frequency attached by ClinVar (database versions not stated): gnomAD exomes 0.00012 and 0.00013; gnomAD 0.00019 and 0.00021; TOPMed 0.00020; ExAC 0.00024; ESP Exome Variant Server 0.00032.
gnomAD v4.1: 216 of 1,606,348 alleles (0.013%); highest among the groups gnomAD compares: Middle Eastern, 0.053%; no homozygotes.

Submissions (5):

PreventionGenetics, part of Exact Sciences
Classification: Uncertain significance for PLEC-related condition. Last evaluated: 2026-05-01. Review status: criteria provided, single submitter. Criteria: ACMG Guidelines, 2015. Collection method: clinical testing. Allele origin: germline.
Comment: The PLEC c.3091G>A variant is predicted to result in the amino acid substitution p.Val1031Met. To our knowledge, this variant has not been reported in the literature. This variant is reported in 0.022% of alleles in individuals of European (Non-Finnish) descent in gnomAD. At this time, the clinical significance of this variant is uncertain due to the absence of conclusive functional and genetic evidence.

Labcorp Genetics (formerly Invitae), Labcorp
Classification: Uncertain significance for Autosomal recessive limb-girdle muscular dystrophy type 2Q; Epidermolysis bullosa simplex, Ogna type; Epidermolysis bullosa simplex with nail dystrophy; Epidermolysis bullosa simplex 5C, with pyloric atresia; Epidermolysis bullosa simplex 5B, with muscular dystrophy. Last evaluated: 2026-01-20. Review status: criteria provided, single submitter. Criteria: Invitae Variant Classification Sherloc (09022015). Collection method: clinical testing. Allele origin: germline.
Comment: This sequence change replaces valine, which is neutral and non-polar, with methionine, which is neutral and non-polar, at codon 1031 of the PLEC protein (p.Val1031Met). This variant is present in population databases (rs201782280, gnomAD 0.02%). This variant has not been reported in the literature in individuals affected with PLEC-related conditions. ClinVar contains an entry for this variant (Variation ID: 282466). Invitae Evidence Modeling of protein sequence and biophysical properties (such as structural, functional, and spatial information, amino acid conservation, physicochemical variation, residue mobility, and thermodynamic stability) indicates that this missense variant is not expected to disrupt PLEC protein function with a negative predictive value of 80%. In summary, the available evidence is currently insufficient to determine the role of this variant in disease. Therefore, it has been classified as a Variant of Uncertain Significance.

Revvity Omics, Revvity
Classification: Uncertain significance. Last evaluated: 2023-08-09. Review status: criteria provided, single submitter. Criteria: ACMG Guidelines, 2015. Collection method: clinical testing. Allele origin: germline.

Ambry Genetics
Classification: Uncertain significance for Inborn genetic diseases. Last evaluated: 2022-06-28. Review status: criteria provided, single submitter. Criteria: Ambry Variant Classification Scheme 2023. Collection method: clinical testing. Allele origin: germline.

Eurofins Ntd Llc (ga)
Classification: Uncertain significance. Last evaluated: 2015-08-13. Review status: criteria provided, single submitter. Criteria: EGL Classification Definitions 2015. Collection method: clinical testing. Allele origin: germline. Observed: 2 variant alleles, 2 heterozygotes.

NM_201384.3(PLEC):c.3010G>A (p.Val1004Met)

Gene: PLEC (plectin; minus strand). Cytogenetic location: 8q24.3.
Variant type: single nucleotide variant.
Coding change: c.3010G>A on transcript NM_201384.3 (MANE Select); coding-DNA position 3010, G replaced by A.
Protein change: p.Val1004Met; replaces valine 1004 with methionine.
Molecular consequence: missense variant.
Genome position (GRCh38, 1-based): chr8:143,929,485, C>T on the plus strand (G>A on the coding strand, the complement: PLEC is on the minus strand). VCF-style: chr8-143929485-C-T. GRCh37 (hg19) VCF-style: chr8-145003653-C-T.
Other names: c.3091G>A, p.Val1031Met (NM_000445.5); c.2968G>A, p.Val990Met (NM_201378.4); c.2944G>A, p.Val982Met (NM_201379.3); c.3421G>A, p.Val1141Met (NM_201380.4); c.2914G>A, p.Val972Met (NM_201381.3); c.3010G>A, p.Val1004Met (NM_201382.4); c.3022G>A, p.Val1008Met (NM_201383.3); c.3091G>A (NM_000445.3); short protein forms V1008M, V990M, V972M, V982M, V1004M, V1031M, V1141M.
Identifiers: ClinVar variation 282466 (VCV000282466.17), dbSNP rs201782280, ClinGen allele CA4927261.